The following is an entry in ClinVar:

ClinVar aggregate classification (germline): Pathogenic (1 of 4 stars; one submission).

Submission:

Labcorp Genetics (formerly Invitae), Labcorp
Classification: Pathogenic. Last evaluated: 2023-06-17. Review status: criteria provided, single submitter. Criteria: Invitae Variant Classification Sherloc (09022015). Collection method: clinical testing. Allele origin: unknown.
Comment: For these reasons, this variant has been classified as Pathogenic. This variant has not been reported in the literature in individuals affected with NFKB1-related conditions. This variant is a gross deletion of the genomic region encompassing exon(s) 3 of the NFKB1 gene. This deletion is out-of-frame, and is expected to create a premature termination codon and result in an absent or disrupted protein product. Loss-of-function variants in NFKB1 are known to be pathogenic (PMID: 26279205, 29477724).

Literature cited by the submitters: PubMed 26279205; PubMed 29477724.

NC_000004.11:g.(?_103450973)_(103451091_?)del

Gene: NFKB1 (nuclear factor kappa B subunit 1; plus strand). Cytogenetic location: 4q24.
Variant type: Deletion.
Identifiers: ClinVar variation 3246731 (VCV003246731.1).